The following is an entry in ClinVar:

ClinVar aggregate classification (germline): Uncertain significance (1 of 4 stars; one submission).

Submission:

GeneDx
Classification: Uncertain significance. Last evaluated: 2022-03-02. Review status: criteria provided, single submitter. Criteria: GeneDx Variant Classification Process June 2021. Collection method: clinical testing. Allele origin: germline. Affected: yes.
Comment: Not observed at significant frequency in large population cohorts (gnomAD); In silico analysis supports that this missense variant has a deleterious effect on protein structure/function; Has not been previously published as pathogenic or benign to our knowledge

NM_001365088.1(SLC12A6):c.2029C>G (p.Arg677Gly)

Gene: SLC12A6 (solute carrier family 12 member 6; minus strand). Cytogenetic location: 15q14.
Variant type: single nucleotide variant.
Coding change: c.2029C>G on transcript NM_001365088.1 (MANE Select); coding-DNA position 2029, C replaced by G.
Protein change: p.Arg677Gly; replaces arginine 677 with glycine.
Molecular consequence: missense variant.
Genome position (GRCh38, 1-based): chr15:34,243,987, G>C on the plus strand (C>G on the coding strand, the complement: SLC12A6 is on the minus strand). VCF-style: chr15-34243987-G-C. GRCh37 (hg19) VCF-style: chr15-34536188-G-C.
Other names: c.1852C>G, p.Arg618Gly (NM_001042494.2, NM_001042495.2); c.2002C>G, p.Arg668Gly (NM_001042496.2); c.1984C>G, p.Arg662Gly (NM_001042497.2); c.1876C>G, p.Arg626Gly (NM_005135.2); c.2029C>G, p.Arg677Gly (NM_133647.2); short protein forms R618G, R626G, R662G, R668G, R677G.
Identifiers: ClinVar variation 1704003 (VCV001704003.2), dbSNP rs775137770, ClinGen allele CA391620493.